The following is an entry in ClinVar:

ClinVar aggregate classification (germline): Uncertain significance. Review status: criteria provided, multiple submitters, no conflicts (2 of 4 stars). 2 submissions from 2 submitters: Uncertain significance (2). Last evaluated 2023-09-09.

Conditions:
Hereditary cancer-predisposing syndrome. Also called: Neoplastic Syndromes, Hereditary; Tumor predisposition; Hereditary Cancer Syndrome; Hereditary neoplastic syndrome. Identifiers: Orphanet 140162, MedGen C0027672, MeSH D009386, MONDO:0015356.

gnomAD v4.1: 1 of 1,608,044 alleles (0.000062%); highest among the groups gnomAD compares: Non-Finnish European, 0.000085%; no homozygotes.

Submissions (2):

Labcorp Genetics (formerly Invitae), Labcorp
Classification: Uncertain significance. Last evaluated: 2023-09-09. Review status: criteria provided, single submitter. Criteria: Invitae Variant Classification Sherloc (09022015). Collection method: clinical testing. Allele origin: germline.
Comment: In summary, the available evidence is currently insufficient to determine the role of this variant in disease. Therefore, it has been classified as a Variant of Uncertain Significance. An algorithm developed to predict the effect of missense changes on protein structure and function (PolyPhen-2) suggests that this variant is likely to be tolerated. ClinVar contains an entry for this variant (Variation ID: 1736340). This variant has not been reported in the literature in individuals affected with NTHL1-related conditions. This variant is not present in population databases (gnomAD no frequency). This sequence change replaces glutamine, which is neutral and polar, with histidine, which is basic and polar, at codon 131 of the NTHL1 protein (p.Gln131His).

Ambry Genetics
Classification: Uncertain significance for Hereditary cancer-predisposing syndrome. Last evaluated: 2020-02-10. Review status: criteria provided, single submitter. Criteria: Ambry Variant Classification Scheme 2023. Collection method: clinical testing. Allele origin: germline.
Comment: The p.Q131H variant (also known as c.393G>C), located in coding exon 3 of the NTHL1 gene, results from a G to C substitution at nucleotide position 393. The glutamine at codon 131 is replaced by histidine, an amino acid with highly similar properties. This amino acid position is highly conserved in available vertebrate species. In addition, this alteration is predicted to be deleterious by in silico analysis. Since supporting evidence is limited at this time, the clinical significance of this alteration remains unclear.

NM_002528.7(NTHL1):c.369G>C (p.Gln123His)

Gene: NTHL1 (nth like DNA glycosylase 1; minus strand). Cytogenetic location: 16p13.3.
Variant type: single nucleotide variant.
Coding change: c.369G>C on transcript NM_002528.7 (MANE Select); coding-DNA position 369, G replaced by C.
Protein change: p.Gln123His; replaces glutamine 123 with histidine.
Molecular consequence: missense variant. On other transcripts: intron variant (1).
Genome position (GRCh38, 1-based): chr16:2,044,786, C>G on the plus strand (G>C on the coding strand, the complement: NTHL1 is on the minus strand). VCF-style: chr16-2044786-C-G. GRCh37 (hg19) VCF-style: chr16-2094787-C-G.
Other names: c.39G>C, p.Gln13His (NM_001318194.2); c.355-1060G>C (NM_001318193.2); short protein forms Q123H, Q13H.
Identifiers: ClinVar variation 1736340 (VCV001736340.5), dbSNP rs2548316436, ClinGen allele CA394294741.